The following is an entry in ClinVar:

ClinVar aggregate classification (germline): Uncertain significance. Review status: criteria provided, multiple submitters, no conflicts (2 of 4 stars). 2 submissions from 2 submitters: Uncertain significance (2). Last evaluated 2021-08-31.

Conditions:
Neonatal pseudo-hydrocephalic progeroid syndrome. Also called: Wiedemann-Rautenstrauch syndrome. Identifiers: Orphanet 3455, MedGen C0406586, MONDO:0009910, OMIM 264090.

Allele frequency attached by ClinVar (database versions not stated): gnomAD exomes below 0.00001 and 0.00001; TOPMed below 0.00001; gnomAD 0.00001.
gnomAD v4.1: 5 of 1,613,884 alleles (0.00031%); highest among the groups gnomAD compares: South Asian, 0.0011%; no homozygotes.

Submissions (2):

Labcorp Genetics (formerly Invitae), Labcorp
Classification: Uncertain significance. Last evaluated: 2021-08-31. Review status: criteria provided, single submitter. Criteria: Invitae Variant Classification Sherloc (09022015). Collection method: clinical testing. Allele origin: germline.
Comment: This sequence change replaces asparagine with serine at codon 661 of the POLR3A protein (p.Asn661Ser). The asparagine residue is moderately conserved and there is a small physicochemical difference between asparagine and serine. This variant is not present in population databases (ExAC no frequency). This variant has not been reported in the literature in individuals affected with POLR3A-related conditions. ClinVar contains an entry for this variant (Variation ID: 930459). Algorithms developed to predict the effect of missense changes on protein structure and function (SIFT, PolyPhen-2, Align-GVGD) all suggest that this variant is likely to be tolerated. In summary, the available evidence is currently insufficient to determine the role of this variant in disease. Therefore, it has been classified as a Variant of Uncertain Significance.

Centre for Mendelian Genomics, University Medical Centre Ljubljana
Classification: Uncertain significance for Neonatal pseudo-hydrocephalic progeroid syndrome. Last evaluated: 2019-04-25. Review status: criteria provided, single submitter. Criteria: ACMG Guidelines, 2015. Collection method: clinical testing. Allele origin: unknown. Affected: yes.
Comment: This variant was classified as: Uncertain significance. The available evidence on this variant's pathogenicity is insufficient or conflicting. The following ACMG criteria were applied in classifying this variant: PM2,PP2.

NM_007055.4(POLR3A):c.1982A>G (p.Asn661Ser)

Gene: POLR3A (RNA polymerase III subunit A; minus strand). Cytogenetic location: 10q22.3.
Variant type: single nucleotide variant.
Coding change: c.1982A>G on transcript NM_007055.4 (MANE Select); coding-DNA position 1982, A replaced by G.
Protein change: p.Asn661Ser; replaces asparagine 661 with serine.
Molecular consequence: missense variant.
Genome position (GRCh38, 1-based): chr10:78,007,794, T>C on the plus strand (A>G on the coding strand, the complement: POLR3A is on the minus strand). VCF-style: chr10-78007794-T-C. GRCh37 (hg19) VCF-style: chr10-79767552-T-C.
Other names: short protein forms N661S.
Identifiers: ClinVar variation 930459 (VCV000930459.10), dbSNP rs758025995, ClinGen allele CA210209473.